The following is an entry in ClinVar:

ClinVar aggregate classification (germline): Uncertain significance (1 of 4 stars; one submission).

Conditions:
Arrhythmogenic right ventricular dysplasia 10. Also called: Arrhythmogenic Right Ventricular Dysplasia/Cardiomyopathy10; ARRHYTHMOGENIC RIGHT VENTRICULAR DYSPLASIA, FAMILIAL, 10; Arrhythmogenic right ventricular dysplasia/cardiomyopathy, type 10. Identifiers: MedGen C1857777, MONDO:0012434, OMIM 610193.

Submission:

Labcorp Genetics (formerly Invitae), Labcorp
Classification: Uncertain significance for Arrhythmogenic right ventricular dysplasia 10. Last evaluated: 2025-09-20. Review status: criteria provided, single submitter. Criteria: Invitae Variant Classification Sherloc (09022015). Collection method: clinical testing. Allele origin: germline.
Comment: This sequence change replaces glutamic acid, which is acidic and polar, with lysine, which is basic and polar, at codon 872 of the DSG2 protein (p.Glu872Lys). This variant is not present in population databases (gnomAD no frequency). This variant has not been reported in the literature in individuals affected with DSG2-related conditions. Invitae Evidence Modeling of protein sequence and biophysical properties (such as structural, functional, and spatial information, amino acid conservation, physicochemical variation, residue mobility, and thermodynamic stability) has been performed for this missense variant. However, the output from this modeling did not meet the statistical confidence thresholds required to predict the impact of this variant on DSG2 protein function. Algorithms developed to predict the effect of sequence changes on RNA splicing suggest that this variant may create or strengthen a splice site. In summary, the available evidence is currently insufficient to determine the role of this variant in disease. Therefore, it has been classified as a Variant of Uncertain Significance.

NM_001943.5(DSG2):c.2614G>A (p.Glu872Lys)

Genes: DSG2 (desmoglein 2; plus strand), DSG2-AS1 (DSG2 antisense RNA 1; minus strand). Cytogenetic location: 18q12.1.
Variant type: single nucleotide variant.
Coding change: c.2614G>A on transcript NM_001943.5 (MANE Select); coding-DNA position 2614, G replaced by A.
Protein change: p.Glu872Lys; replaces glutamic acid 872 with lysine.
Molecular consequence: missense variant.
Genome position (GRCh38, 1-based): chr18:31,546,000, G>A. VCF-style: chr18-31546000-G-A. GRCh37 (hg19) VCF-style: chr18-29125963-G-A.
Other names: short protein forms E872K.
Identifiers: ClinVar variation 4803008 (VCV004803008.1).